The following is an entry in ClinVar:

ClinVar aggregate classification (germline): Uncertain significance. Review status: criteria provided, multiple submitters, no conflicts (2 of 4 stars). 2 submissions from 2 submitters: Uncertain significance (2). Last evaluated 2025-01-22.

gnomAD v4.1: 342 of 1,587,242 alleles (0.022%); highest among the groups gnomAD compares: Non-Finnish European, 0.026%; no homozygotes.

Submissions (2):

Labcorp Genetics (formerly Invitae), Labcorp
Classification: Uncertain significance. Last evaluated: 2025-01-22. Review status: criteria provided, single submitter. Criteria: Invitae Variant Classification Sherloc (09022015). Collection method: clinical testing. Allele origin: germline.
Comment: This sequence change replaces valine, which is neutral and non-polar, with leucine, which is neutral and non-polar, at codon 968 of the TNK2 protein (p.Val968Leu). This variant is present in population databases (rs148323328, gnomAD 0.03%). This variant has not been reported in the literature in individuals affected with TNK2-related conditions. ClinVar contains an entry for this variant (Variation ID: 2347506). An algorithm developed to predict the effect of missense changes on protein structure and function (PolyPhen-2) suggests that this variant is likely to be tolerated. In summary, the available evidence is currently insufficient to determine the role of this variant in disease. Therefore, it has been classified as a Variant of Uncertain Significance.

Ambry Genetics
Classification: Uncertain significance. Last evaluated: 2021-08-23. Review status: criteria provided, single submitter. Criteria: Ambry Variant Classification Scheme 2023. Collection method: clinical testing. Allele origin: germline.

NM_001382273.1(TNK2):c.2713G>C (p.Val905Leu)

Gene: TNK2 (tyrosine kinase non receptor 2; minus strand). Cytogenetic location: 3q29.
Variant type: single nucleotide variant.
Coding change: c.2713G>C on transcript NM_001382273.1 (MANE Select); coding-DNA position 2713, G replaced by C.
Protein change: p.Val905Leu; replaces valine 905 with leucine.
Molecular consequence: missense variant. On other transcripts: non-coding transcript variant (15).
Genome position (GRCh38, 1-based): chr3:195,867,585, C>G on the plus strand (G>C on the coding strand, the complement: TNK2 is on the minus strand). VCF-style: chr3-195867585-C-G. GRCh37 (hg19) VCF-style: chr3-195594456-C-G.
Other names: c.2785G>C, p.Val929Leu (NM_001010938.2, NM_001382272.1); c.2764G>C, p.Val922Leu (NM_001308046.2, NM_001382271.1); c.2713G>C, p.Val905Leu (NM_001382274.1, NM_001387716.1, NM_001387717.1 and 1 more transcripts); c.2809G>C, p.Val937Leu (NM_001382275.1, NM_001387707.1); c.2668G>C, p.Val890Leu (NM_001386164.1, NM_001387709.1, NM_001387710.1 and 8 more transcripts); c.2740G>C, p.Val914Leu (NM_001387708.1, NM_001387715.1); short protein forms V890L, V922L, V929L, V937L, V914L, V905L.
Identifiers: ClinVar variation 2347506 (VCV002347506.5), dbSNP rs148323328, ClinGen allele CA2775832.